The following is an entry in ClinVar:

ClinVar aggregate classification (germline): Pathogenic (1 of 4 stars; one submission).

Conditions:
Pontocerebellar hypoplasia type 1A (PCH1A). Also called: PONTOCEREBELLAR HYPOPLASIA WITH ANTERIOR HORN CELL DISEASE; PONTOCEREBELLAR HYPOPLASIA WITH INFANTILE SPINAL MUSCULAR ATROPHY. Identifiers: Orphanet 2254, Orphanet 88616, MedGen C1843504, MONDO:0011866, OMIM 607596.

Submission:

Myriad Genetics, Inc.
Classification: Pathogenic for Pontocerebellar hypoplasia type 1A. Last evaluated: 2024-05-14. Review status: criteria provided, single submitter. Criteria: Myriad Autosomal Dominant, Autosomal Recessive and X-Linked Classification Criteria (2023). Collection method: clinical testing. Allele origin: unknown.
Comment: NM_003384.2(VRK1):c.528_529ins11(D177Cfs*3) is expected to be pathogenic in the context of pontocerebellar hypoplasia, VRK1-related. This variant is predicted to lead to an abnormal or absent protein product due to the creation of a premature termination codon in VRK1, a gene where loss-of-function variants are known to be pathogenic. Please note: this variant was assessed in the context of healthy population screening.

NM_003384.3(VRK1):c.528_529insTGTGTATAAGA (p.Asp177delinsCysValTer)

Gene: VRK1 (VRK serine/threonine kinase 1; plus strand). Cytogenetic location: 14q32.2.
Variant type: Insertion.
Coding change: c.528_529insTGTGTATAAGA on transcript NM_003384.3 (MANE Select); coding-DNA positions 528 to 529, TGTGTATAAGA inserted.
Protein change: p.Asp177delinsCysValTer.
Molecular consequence: nonsense.
Genome position: GRCh38 VCF-style: chr14-96853116-G-GGATGTGTATAA. GRCh37 (hg19) VCF-style: chr14-97319453-G-GGATGTGTATAA.
Other names: c.528_529insTGTGTATAAGA, p.Asp177delinsCysValTer (NM_001411051.1, NM_001411053.1).
Identifiers: ClinVar variation 5010917 (VCV005010917.1).